The following is an entry in ClinVar:

NM_000199.5(SGSH):c.941G>A (p.Ser314Asn)

Gene: SGSH (N-sulfoglucosamine sulfohydrolase; minus strand). Cytogenetic location: 17q25.3.
Variant type: single nucleotide variant.
Coding change: c.941G>A on transcript NM_000199.5 (MANE Select); coding-DNA position 941, G replaced by A.
Protein change: p.Ser314Asn; replaces serine 314 with asparagine.
Molecular consequence: missense variant. On other transcripts: non-coding transcript variant (1).
Genome position (GRCh38, 1-based): chr17:80,212,079, C>T on the plus strand (G>A on the coding strand, the complement: SGSH is on the minus strand). VCF-style: chr17-80212079-C-T. GRCh37 (hg19) VCF-style: chr17-78185878-C-T.
Other names: c.941G>A, p.Ser314Asn (NM_001352921.3, NM_001352922.2); short protein forms S314N.
Identifiers: ClinVar variation 1937925 (VCV001937925.2), dbSNP rs1466198884, ClinGen allele CA401359620.

ClinVar aggregate classification (germline): Uncertain significance (1 of 4 stars; one submission).

Conditions:
Mucopolysaccharidosis, MPS-III-A (MPS3A). Also called: HEPARAN SULFATE SULFATASE DEFICIENCY; SANFILIPPO SYNDROME A; SULFAMIDASE DEFICIENCY; MPS III A; Mucopolysaccharidosis type IIIA (Sanfilippo A); Mucopolysaccharidosis, type IIIA. Identifiers: Orphanet 581, Orphanet 79269, MedGen C0086647, MONDO:0009655, OMIM 252900.

Allele frequency attached by ClinVar (database versions not stated): gnomAD exomes below 0.00001.
gnomAD v4.1: 2 of 1,613,470 alleles (0.00012%); highest among the groups gnomAD compares: Non-Finnish European, 0.00017%; no homozygotes.

Submission:

Labcorp Genetics (formerly Invitae), Labcorp
Classification: Uncertain significance for Mucopolysaccharidosis, MPS-III-A. Last evaluated: 2022-05-12. Review status: criteria provided, single submitter. Criteria: Invitae Variant Classification Sherloc (09022015). Collection method: clinical testing. Allele origin: germline.
Comment: This sequence change replaces serine, which is neutral and polar, with asparagine, which is neutral and polar, at codon 314 of the SGSH protein (p.Ser314Asn). This variant is present in population databases (no rsID available, gnomAD 0.0009%). This variant has not been reported in the literature in individuals affected with SGSH-related conditions. Algorithms developed to predict the effect of missense changes on protein structure and function are either unavailable or do not agree on the potential impact of this missense change (SIFT: "Deleterious"; PolyPhen-2: "Benign"; Align-GVGD: "Class C0"). In summary, the available evidence is currently insufficient to determine the role of this variant in disease. Therefore, it has been classified as a Variant of Uncertain Significance.